The following is an entry in ClinVar:

NC_000009.12:g.35658017_35658035dup

Gene: RMRP (RNA component of mitochondrial RNA processing endoribonuclease; minus strand). Cytogenetic location: 9p13.3.
Variant type: Duplication.
Genome position: GRCh38 VCF-style: chr9-35658015-A-AACCACGTCCTCAGCTTCAC. GRCh37 (hg19) VCF-style: chr9-35658012-A-AACCACGTCCTCAGCTTCAC.
Identifiers: ClinVar variation 4875516 (VCV004875516.1).

ClinVar aggregate classification (germline): Likely pathogenic (1 of 4 stars; one submission).

Conditions:
Metaphyseal chondrodysplasia, McKusick type (CHH). Also called: Cartilage-hair hypoplasia; Cartilage-Hair Hypoplasia (CHH). Identifiers: Orphanet 175, MedGen C0220748, MONDO:0009595, OMIM 250250.

Submission:

Natera, Inc.
Classification: Likely pathogenic for Cartilage-hair hypoplasia. Last evaluated: 2024-03-22. Review status: criteria provided, single submitter. Criteria: Natera Variant Classification Schema (03/2026). Collection method: clinical testing. Allele origin: germline.
Comment: The n.-16_3dupGTGAAGCTGAGGACGTGGT variant in RMRP, also known as NC_000009.12:g.35658017_35658035dup, is a duplication affecting the RMRP promoter region between the TATA box and the transcription initiation site. Other duplications and insertions just upstream of the transcription initiation site have been reported in individuals affected with cartilage-hair hypoplasia (PMID: 11207361, 17937437). This variant is rare in the general population with a frequency below the threshold expected for the associated phenotype(s). Given the available evidence, this variant is classified as Likely Pathogenic.

Literature cited by the submitters: PubMed 11207361; PubMed 17937437.